The following is an entry in ClinVar:

NM_022114.4(PRDM16):c.1732_1734del (p.Lys578del)

Gene: PRDM16 (PR/SET domain 16; plus strand). Cytogenetic location: 1p36.32.
Variant type: Deletion.
Coding change: c.1732_1734del on transcript NM_022114.4 (MANE Select); coding-DNA positions 1732 to 1734, 3 bases deleted (AAG; older notation c.1732_1734delAAG).
Protein change: p.Lys578del; deletes lysine 578.
Genome position (GRCh38, 1-based): chr1:3,411,929-3,411,931, AAG deleted; deleting any 3 consecutive bases within chr1:3,411,927-3,411,931 gives the same sequence; the c. name uses the placement nearest the transcript's 3' end. VCF-style (leftmost placement, unchanged base first): chr1-3411926-GAGA-G. GRCh37 (hg19) VCF-style: chr1-3328490-GAGA-G.
Other names: c.1732_1734del, p.Lys578del (NM_199454.3); c.1732_1734delAAG (NM_022114.4); short protein forms K578del.
Identifiers: ClinVar variation 3907306 (VCV003907306.2).

ClinVar aggregate classification (germline): Uncertain significance. Review status: criteria provided, multiple submitters, no conflicts (2 of 4 stars). 2 submissions from 2 submitters: Uncertain significance (2). Last evaluated 2025-06-09.

Conditions:
Left ventricular noncompaction 8 (LVNC8). Identifiers: Orphanet 154, Orphanet 54260, MedGen C3809288, MONDO:0014152, OMIM 615373.

Submissions (2):

Women's Health and Genetics/Laboratory Corporation of America, LabCorp
Classification: Uncertain significance. Last evaluated: 2025-06-09. Review status: criteria provided, single submitter. Criteria: LabCorp Variant Classification Summary - May 2015. Collection method: clinical testing. Allele origin: germline.
Comment: Variant summary: PRDM16 c.1732_1734delAAG (p.Lys578del) results in an in-frame deletion that is predicted to remove 1 amino acids from the encoded protein. The variant was absent in 248598 control chromosomes. The available data on variant occurrences in the general population are insufficient to allow any conclusion about variant significance. To our knowledge, no occurrence of c.1732_1734delAAG in individuals affected with Cardiomyopathy and no experimental evidence demonstrating its impact on protein function have been reported. No submitters have cited clinical-significance assessments for this variant to ClinVar. Based on the evidence outlined above, the variant was classified as uncertain significance.

Labcorp Genetics (formerly Invitae), Labcorp
Classification: Uncertain significance for Left ventricular noncompaction 8. Last evaluated: 2025-06-05. Review status: criteria provided, single submitter. Criteria: Invitae Variant Classification Sherloc (09022015). Collection method: clinical testing. Allele origin: germline.
Comment: This variant, c.1732_1734del, results in the deletion of 1 amino acid(s) of the PRDM16 protein (p.Lys578del), but otherwise preserves the integrity of the reading frame. This variant is not present in population databases (gnomAD no frequency). This variant has not been reported in the literature in individuals affected with PRDM16-related conditions. Experimental studies and prediction algorithms are not available or were not evaluated, and the functional significance of this variant is currently unknown. In summary, the available evidence is currently insufficient to determine the role of this variant in disease. Therefore, it has been classified as a Variant of Uncertain Significance.